The following is an entry in ClinVar:

NM_001267550.2(TTN):c.9770_9771del (p.Arg3257fs)

Gene: TTN (titin; minus strand). Cytogenetic location: 2q31.2.
Variant type: Deletion.
Coding change: c.9770_9771del on transcript NM_001267550.2 (MANE Select); coding-DNA positions 9770 to 9771, 2 bases deleted (GC; older notation c.9770_9771delGC).
Protein change: p.Arg3257fs; shifts the reading frame from arginine 3257.
Molecular consequence: frameshift variant.
Genome position (GRCh38, 1-based): chr2:178,764,744-178,764,745, GC deleted on the plus strand (GC on the coding strand, the reverse complement: TTN is on the minus strand); deleting any 2 consecutive bases within chr2:178,764,744-178,764,746 gives the same sequence; the c. name uses the placement nearest the transcript's 3' end. VCF-style (leftmost placement, unchanged base first): chr2-178764743-AGC-A. GRCh37 (hg19) VCF-style: chr2-179629470-AGC-A.
Other names: c.9770_9771del, p.Arg3257fs (NM_001256850.1, NM_133378.4, NM_133379.5); c.9632_9633del, p.Arg3211fs (NM_003319.4, NM_133432.3, NM_133437.4); short protein forms R3211fs, R3257fs.
Identifiers: ClinVar variation 4785110 (VCV004785110.1).

ClinVar aggregate classification (germline): Likely pathogenic (1 of 4 stars; one submission).

Conditions:
Autosomal recessive limb-girdle muscular dystrophy type 2J (LGMDR10). Also called: Limb-girdle muscular dystrophy, type 2J; MUSCULAR DYSTROPHY, LIMB-GIRDLE, AUTOSOMAL RECESSIVE 10. Identifiers: Orphanet 140922, MedGen C1837342, MONDO:0012127, OMIM 608807.
Dilated cardiomyopathy 1G (CMD1G). Identifiers: Orphanet 154, MedGen C1858763, MONDO:0011400, OMIM 604145.

Submission:

Labcorp Genetics (formerly Invitae), Labcorp
Classification: Likely pathogenic for Dilated cardiomyopathy 1G; Autosomal recessive limb-girdle muscular dystrophy type 2J. Last evaluated: 2025-05-26. Review status: criteria provided, single submitter. Criteria: Invitae Variant Classification Sherloc (09022015). Collection method: clinical testing. Allele origin: germline.
Comment: This sequence change creates a premature translational stop signal (p.Arg3257Leufs*33) in the TTN gene. While this is not anticipated to result in nonsense mediated decay, it is expected to create a truncated TTN protein. This variant is not present in population databases (gnomAD no frequency). This variant has not been reported in the literature in individuals affected with TTN-related conditions. This variant is located in the I band of TTN (PMID: 25589632). Truncating variants in this region have been reported in individuals affected with autosomal recessive centronuclear myopathy (PMID: 23975875, internal data). Truncating variants in this region have also been identified in individuals affected with autosomal dominant dilated cardiomyopathy and/or cardio-related conditions (PMID: 27869827, 32964742, internal data). In summary, the currently available evidence indicates that the variant is pathogenic, but additional data are needed to prove that conclusively. Therefore, this variant has been classified as Likely Pathogenic.

Literature cited by the submitters: PubMed 25589632; PubMed 23975875; PubMed 27869827; PubMed 32964742.